The following is an entry in ClinVar:

NM_006767.4(LZTR1):c.1424C>T (p.Thr475Met)

Gene: LZTR1 (leucine zipper like post translational regulator 1; plus strand). Cytogenetic location: 22q11.21.
Variant type: single nucleotide variant.
Coding change: c.1424C>T on transcript NM_006767.4 (MANE Select); coding-DNA position 1424, C replaced by T.
Protein change: p.Thr475Met; replaces threonine 475 with methionine.
Molecular consequence: missense variant.
Genome position (GRCh38, 1-based): chr22:20,993,994, C>T. VCF-style: chr22-20993994-C-T. GRCh37 (hg19) VCF-style: chr22-21348283-C-T.
Other names: short protein forms T475M.
Identifiers: ClinVar variation 1483769 (VCV001483769.16), dbSNP rs376046310, ClinGen allele CA10118879.

ClinVar aggregate classification (germline): Conflicting classifications of pathogenicity. Review status: criteria provided, conflicting classifications (1 of 4 stars). 5 submissions from 5 submitters: Uncertain significance (4); Likely benign (1). Last evaluated 2026-01-16.

Conditions:
Hereditary cancer-predisposing syndrome. Also called: Tumor predisposition; Hereditary neoplastic syndrome; Hereditary Cancer Syndrome; Neoplastic Syndromes, Hereditary. Identifiers: Orphanet 140162, MedGen C0027672, MeSH D009386, MONDO:0015356.
Cardiovascular phenotype. Identifiers: MedGen CN230736.

Allele frequency attached by ClinVar (database versions not stated): gnomAD exomes 0.00002 and 0.00003; ExAC 0.00004; gnomAD 0.00005 and 0.00006; TOPMed 0.00006; ESP Exome Variant Server 0.00008.
gnomAD v4.1: 48 of 1,611,310 alleles (0.003%); highest among the groups gnomAD compares: African/African-American, 0.0093%; no homozygotes.

Submissions (5):

Labcorp Genetics (formerly Invitae), Labcorp
Classification: Uncertain significance. Last evaluated: 2026-01-16. Review status: criteria provided, single submitter. Criteria: Invitae Variant Classification Sherloc (09022015). Collection method: clinical testing. Allele origin: germline.
Comment: This sequence change replaces threonine, which is neutral and polar, with methionine, which is neutral and non-polar, at codon 475 of the LZTR1 protein (p.Thr475Met). This variant is present in population databases (rs376046310, gnomAD 0.005%). This variant has not been reported in the literature in individuals affected with LZTR1-related conditions. ClinVar contains an entry for this variant (Variation ID: 1483769). Invitae Evidence Modeling of protein sequence and biophysical properties (such as structural, functional, and spatial information, amino acid conservation, physicochemical variation, residue mobility, and thermodynamic stability) indicates that this missense variant is not expected to disrupt LZTR1 protein function with a negative predictive value of 80%. In summary, the available evidence is currently insufficient to determine the role of this variant in disease. Therefore, it has been classified as a Variant of Uncertain Significance.

Women's Health and Genetics/Laboratory Corporation of America, LabCorp
Classification: Uncertain significance. Last evaluated: 2025-10-27. Review status: criteria provided, single submitter. Criteria: LabCorp Variant Classification Summary - May 2015. Collection method: clinical testing. Allele origin: germline.
Comment: Variant summary: LZTR1 c.1424C>T (p.Thr475Met) results in a non-conservative amino acid change in the encoded protein sequence. Algorithms developed to predict the effect of missense changes on protein structure and function are either unavailable or do not agree on the potential impact of this missense change. The variant allele was found at a frequency of 2.1e-05 in 243648 control chromosomes. The available data on variant occurrences in the general population are insufficient to allow any conclusion about variant significance. To our knowledge, no occurrence of c.1424C>T in individuals affected with LZTR1-related conditions and no experimental evidence demonstrating its impact on protein function have been reported. ClinVar contains an entry for this variant (Variation ID: 1483769). Based on the evidence outlined above, the variant was classified as uncertain significance.

GeneDx
Classification: Uncertain significance. Last evaluated: 2025-10-01. Review status: criteria provided, single submitter. Criteria: GeneDx Variant Classification Process June 2021. Collection method: clinical testing. Allele origin: germline. Affected: yes.
Comment: In silico analysis suggests that this missense variant does not alter protein structure/function; Has not been previously published as pathogenic or benign to our knowledge

Ambry Genetics
Classification: Uncertain significance for Cardiovascular phenotype; Hereditary cancer-predisposing syndrome. Last evaluated: 2025-09-09. Review status: criteria provided, single submitter. Criteria: Ambry Variant Classification Scheme 2023. Collection method: clinical testing. Allele origin: germline.

Blueprint Genetics
Classification: Likely benign. Last evaluated: 2023-06-23. Review status: criteria provided, single submitter. Criteria: ACMG Guidelines, 2015. Collection method: clinical testing. Allele origin: germline.